The following is an entry in ClinVar:

ClinVar aggregate classification (germline): Benign. Review status: criteria provided, multiple submitters, no conflicts (2 of 4 stars). 15 submissions from 15 submitters: Benign (10). 5 of the submissions do not count toward it. Last evaluated 2026-02-04.

Conditions:
Hereditary cancer-predisposing syndrome. Also called: Neoplastic Syndromes, Hereditary; Hereditary neoplastic syndrome; Hereditary Cancer Syndrome; Tumor predisposition. Identifiers: Orphanet 140162, MedGen C0027672, MeSH D009386, MONDO:0015356.
Fanconi anemia complementation group C (FANCC). Also called: FANCONI PANCYTOPENIA, TYPE 3; FACC; FANCC-Related Fanconi Anemia; Fanconi anemia, group C. Identifiers: Orphanet 84, MedGen C3468041, MONDO:0009213, OMIM 227645.
Fanconi anemia (FA). Also called: Fanconi's anemia. Identifiers: Orphanet 84, MedGen C0015625, MeSH D005199, MONDO:0019391.
Malignant tumor of breast. Also called: Malignant breast neoplasm; Cancer breast. Identifiers: MedGen C0006142, MONDO:0007254. Disease mechanism: loss of function.

Allele frequency attached by ClinVar (database versions not stated): gnomAD exomes 0.00545; ExAC 0.00668; 1000 Genomes Project 0.01857; 1000 Genomes Project 30x 0.02014; gnomAD 0.02202 and 0.02397; TOPMed 0.02485; ESP Exome Variant Server 0.02560.
gnomAD v4.1: 6,323 of 1,613,334 alleles (0.39%); highest among the groups gnomAD compares: African/African-American, 7.6%; 232 homozygotes.

Submissions (23):

Labcorp Genetics (formerly Invitae), Labcorp
Classification: Benign for Fanconi anemia. Last evaluated: 2026-02-04. Review status: criteria provided, single submitter. Criteria: Invitae Variant Classification Sherloc (09022015). Collection method: clinical testing. Allele origin: germline.

Quest Diagnostics Nichols Institute San Juan Capistrano
Classification: Benign. Last evaluated: 2025-05-05. Review status: criteria provided, single submitter. Criteria: Quest Diagnostics criteria. Collection method: clinical testing. Allele origin: unknown.

ARUP Laboratories, Molecular Genetics and Genomics, ARUP Laboratories
Classification: Benign for Fanconi anemia complementation group C. Last evaluated: 2024-05-01. Review status: criteria provided, single submitter. Criteria: ARUP Molecular Germline Variant Investigation Process 2024. Collection method: clinical testing. Allele origin: germline.

KCCC/NGS Laboratory, Kuwait Cancer Control Center
Classification: Benign for Fanconi anemia complementation group C. Last evaluated: 2023-07-07. Review status: criteria provided, single submitter. Criteria: ACMG Guidelines, 2015. Collection method: clinical testing. Allele origin: germline. Affected: yes.

Illumina Laboratory Services, Illumina
Classification: Benign for Fanconi anemia complementation group C. Last evaluated: 2018-01-13. Review status: criteria provided, single submitter. Criteria: ICSL Variant Classification Criteria 13 December 2019. Collection method: clinical testing. Allele origin: germline.
Comment: This variant was observed in the ICSL laboratory as part of a predisposition screen in an ostensibly healthy population. It had not been previously curated by ICSL or reported in the Human Gene Mutation Database (HGMD: prior to June 1st, 2018), and was therefore a candidate for classification through an automated scoring system. Utilizing variant allele frequency, disease prevalence and penetrance estimates, and inheritance mode, an automated score was calculated to assess if this variant is too frequent to cause the disease. Based on the score and internal cut-off values, a variant classified as benign is not then subjected to further curation. The score for this variant resulted in a classification of benign for this disease.

Ambry Genetics
Classification: Benign for Hereditary cancer-predisposing syndrome. Last evaluated: 2016-08-29. Review status: criteria provided, single submitter. Criteria: Ambry Variant Classification Scheme 2023. Collection method: clinical testing. Allele origin: germline.

Women's Health and Genetics/Laboratory Corporation of America, LabCorp
Classification: Benign. Last evaluated: 2016-04-29. Review status: criteria provided, single submitter. Criteria: LabCorp Variant Classification Summary - May 2015. Collection method: clinical testing. Allele origin: germline.
Comment: Variant summary: The FANCC c.408A>G variant affects a non-conserved nucleotide, resulting in a synonymous change. Mutation Taster predicts a benign outcome for this variant, and 5/5 Alamut algorithms predict no significant change to splicing. This variant was found in 807/120880 control chromosomes (36 homozygotes) at a frequency of 0.006676, which is about 4 times the maximal expected frequency of a pathogenic FANCC allele (0.0017678), suggesting this variant is benign. The variant of interest has not, to our knowledge, been reported in affected individuals via publications and/or reputable databases/clinical laboratories; nor evaluated for functional impact by in vivo/vitro studies. Taken together, this variant was classified as benign.

GeneDx
Classification: Benign. Last evaluated: 2015-03-03. Review status: criteria provided, single submitter. Criteria: GeneDx Variant Classification Process June 2021. Collection method: clinical testing. Allele origin: germline. Affected: yes.

Breakthrough Genomics
Classification: Benign. Review status: criteria provided, single submitter. Criteria: ACMG Guidelines, 2015. Collection method: not provided. Allele origin: germline. Inheritance: Autosomal recessive inheritance. Affected: yes.

PreventionGenetics, part of Exact Sciences
Classification: Benign. Review status: criteria provided, single submitter. Criteria: ACMG Guidelines, 2015. Collection method: clinical testing. Allele origin: germline.

Leiden Open Variation Database
Classification: Uncertain significance. Last evaluated: 2020-02-28. Review status: no assertion criteria provided. Collection method: curation. Allele origin: germline. Affected: yes. Not counted in ClinVar's aggregate classification.
Comment: Curator: Arleen D. Auerbach. Submitter to LOVD: Arleen D. Auerbach.

Natera, Inc.
Classification: Benign for Fanconi anemia. Last evaluated: 2017-05-10. Review status: no assertion criteria provided. Collection method: clinical testing. Allele origin: germline. Not counted in ClinVar's aggregate classification.

Department of Pathology and Laboratory Medicine, Sinai Health System
Classification: Benign for Malignant tumor of breast. Review status: no assertion criteria provided. Collection method: clinical testing. Allele origin: unknown. Affected: yes. Study: The Canadian Open Genetics Repository (COGR). Not counted in ClinVar's aggregate classification.
Comment: The FANCC p.Gln136= variant was identified in dbSNP (ID: rs1800360) as â€šÃ„ÃºWith other alleleâ€šÃ„Ã¹ and in control databases in 2016 (87 homozygous) of 276974 chromosomes at a frequency of 0.007 increasing the likelihood this could be a low frequency benign variant (Genome Aggregation Database Feb 27, 2017). Breakdown of the observations by population include African in 1891 (87 homozygous) of 24020 chromosomes (freq: 0.08), Other in 17 of 6456 chromosomes (freq: 0.003), Latino in 94 of 34404 chromosomes (freq: 0.003), European Non-Finnish in 11 of 126548 chromosomes (freq: 0.00009), and South Asian in 3 of 30774 chromosomes (freq: 0.0001), while the variant was not observed in the Ashkenazi Jewish, East Asian, and European Finnish populations. The p.Gln136= variant is not expected to have clinical significance because it does not result in a change of amino acid and is not located in a known consensus splice site. In addition, in silico or computational prediction software programs (SpliceSiteFinder, MaxEntScan, NNSPLICE, GeneSplicer, HumanSpliceFinder) do not predict a difference in splicing. In summary, based on the above information this variant meets our laboratory's criteria to be classified as benign.

Dr. Peter K. Rogan Lab, Western University
No classification provided (evidence only). Condition: Clear cell carcinoma of kidney. Review status: no classification provided. Collection method: in vitro. Allele origin: not applicable. Functional consequence: retained intron. Not counted in ClinVar's aggregate classification.

Dr. Peter K. Rogan Lab, Western University
No classification provided (evidence only). Condition: Thyroid cancer, nonmedullary, 1. Review status: no classification provided. Collection method: in vitro. Allele origin: not applicable. Functional consequence: retained intron. Not counted in ClinVar's aggregate classification.

Dr. Peter K. Rogan Lab, Western University
No classification provided (evidence only). Condition: Cervical cancer. Review status: no classification provided. Collection method: in vitro. Allele origin: not applicable. Functional consequence: retained intron. Not counted in ClinVar's aggregate classification.

Dr. Peter K. Rogan Lab, Western University
No classification provided (evidence only). Condition: Sarcoma. Review status: no classification provided. Collection method: in vitro. Allele origin: not applicable. Functional consequence: retained intron. Not counted in ClinVar's aggregate classification.

Dr. Peter K. Rogan Lab, Western University
No classification provided (evidence only). Condition: Ovarian serous cystadenocarcinoma. Review status: no classification provided. Collection method: in vitro. Allele origin: not applicable. Functional consequence: retained intron. Not counted in ClinVar's aggregate classification.

Dr. Peter K. Rogan Lab, Western University
No classification provided (evidence only). Condition: Ovarian serous cystadenocarcinoma. Review status: no classification provided. Collection method: in vitro. Allele origin: not applicable. Functional consequence: retained intron. Not counted in ClinVar's aggregate classification.

Dr. Peter K. Rogan Lab, Western University
No classification provided (evidence only). Condition: Ovarian serous cystadenocarcinoma. Review status: no classification provided. Collection method: in vitro. Allele origin: not applicable. Functional consequence: retained intron. Not counted in ClinVar's aggregate classification.

Dr. Peter K. Rogan Lab, Western University
No classification provided (evidence only). Condition: Gastric cancer. Review status: no classification provided. Collection method: in vitro. Allele origin: not applicable. Functional consequence: retained intron. Not counted in ClinVar's aggregate classification.

Genome Diagnostics Laboratory, Amsterdam University Medical Center
Classification: Benign. Review status: no assertion criteria provided. Collection method: clinical testing. Allele origin: germline. Affected: yes. Study: VKGL Data-share Consensus. Not counted in ClinVar's aggregate classification.

Laboratory of Diagnostic Genome Analysis, Leiden University Medical Center (LUMC)
Classification: Likely benign. Review status: no assertion criteria provided. Collection method: clinical testing. Allele origin: germline. Affected: yes. Study: VKGL Data-share Consensus. Not counted in ClinVar's aggregate classification.

Literature cited by the submitters: PubMed 08844212 (cited by Leiden Open Variation Database).

NM_000136.3(FANCC):c.408A>G (p.Gln136=)

Gene: FANCC (FA complementation group C; minus strand). Cytogenetic location: 9q22.32.
Variant type: single nucleotide variant.
Coding change: c.408A>G on transcript NM_000136.3 (MANE Select); coding-DNA position 408, A replaced by G.
Protein change: p.Gln136=; no amino-acid change (glutamine 136 retained).
Molecular consequence: synonymous variant.
Genome position (GRCh38, 1-based): chr9:95,172,085, T>C on the plus strand (A>G on the coding strand, the complement: FANCC is on the minus strand). VCF-style: chr9-95172085-T-C. GRCh37 (hg19) VCF-style: chr9-97934367-T-C.
Other names: c.408A>G, p.Gln136= (NM_001243743.2, NM_001243744.2).
Identifiers: ClinVar variation 255275 (VCV000255275.43), dbSNP rs1800360, ClinGen allele CA5137750.